The following is an entry in ClinVar:

NM_024665.7(TBL1XR1):c.333_350dup (p.Ala113_Ala118dup)

Gene: TBL1XR1 (TBL1X/Y related 1; minus strand). Cytogenetic location: 3q26.32.
Variant type: Duplication.
Coding change: c.333_350dup on transcript NM_024665.7 (MANE Select); coding-DNA positions 333 to 350, 18 bases duplicated (TGCAGCTGCCGCAGCTGC).
Protein change: p.Ala113_Ala118dup.
Molecular consequence: inframe insertion.
Genome position (GRCh38, 1-based): chr3:177,051,581-177,051,598, GCAGCTGCGGCAGCTGCA duplicated on the plus strand (TGCAGCTGCCGCAGCTGC on the coding strand, the reverse complement: TBL1XR1 is on the minus strand); duplicating any 18 consecutive bases within chr3:177,051,581-177,051,606 gives the same sequence; the c. name uses the placement nearest the transcript's 3' end. VCF-style (leftmost placement, unchanged base first): chr3-177051580-T-TGCAGCTGCGGCAGCTGCA. GRCh37 (hg19) VCF-style: chr3-176769368-T-TGCAGCTGCGGCAGCTGCA.
Other names: c.333_350dup, p.Ala113_Ala118dup (NM_001321193.3, NM_001321194.3, NM_001374327.1 and 2 more transcripts); c.72_89dup, p.Ala26_Ala31dup (NM_001321195.3, NM_001374330.1).
Identifiers: ClinVar variation 959285 (VCV000959285.9), dbSNP rs1462665726, ClinGen allele CA548334901.
Genomic context (GRCh38, chr3:177,051,580, plus strand): 5'-TCCATTCTCCTCCCCATTTGCTGTGTTTTCTCCATTTTTTGCAGATCCTTGTTGGCTGGC[T>TGCAGCTGCGGCAGCTGCA]GCAGCTGCGGCAGCTGCAGCAGCTGCTGCCTGTTGCTGTGCAAGCTTATCTCTATAAGCT-3'

ClinVar aggregate classification (germline): Uncertain significance (1 of 4 stars; one submission).

Conditions:
Pierpont syndrome (PRPTS). Identifiers: Orphanet 487825, MedGen C1865644, MONDO:0011213, OMIM 602342.

Submission:

Labcorp Genetics (formerly Invitae), Labcorp
Classification: Uncertain significance for Pierpont syndrome. Last evaluated: 2024-05-16. Review status: criteria provided, single submitter. Criteria: Invitae Variant Classification Sherloc (09022015). Collection method: clinical testing. Allele origin: germline.
Comment: This variant, c.333_350dup, results in the insertion of 6 amino acid(s) of the TBL1XR1 protein (p.Ala113_Ala118dup), but otherwise preserves the integrity of the reading frame. The frequency data for this variant in the population databases is considered unreliable, as metrics indicate poor data quality at this position in the gnomAD database. This variant has not been reported in the literature in individuals affected with TBL1XR1-related conditions. ClinVar contains an entry for this variant (Variation ID: 959285). Experimental studies and prediction algorithms are not available or were not evaluated, and the functional significance of this variant is currently unknown. In summary, the available evidence is currently insufficient to determine the role of this variant in disease. Therefore, it has been classified as a Variant of Uncertain Significance.